The following is an entry in ClinVar:

ClinVar aggregate classification (germline): Uncertain significance (1 of 4 stars; one submission).

Conditions:
Charcot-Marie-Tooth disease type 4. Also called: Charcot-Marie-Tooth disease, type IV; Charcot-Marie-Tooth, Type 4. Identifiers: Orphanet 64749, MedGen C4082197, MONDO:0018995.

Allele frequency attached by ClinVar (database versions not stated): TOPMed 0.00001.
gnomAD v4.1: 12 of 1,613,072 alleles (0.00074%); highest among the groups gnomAD compares: East Asian, 0.0045%; no homozygotes.

Submission:

Labcorp Genetics (formerly Invitae), Labcorp
Classification: Uncertain significance for Charcot-Marie-Tooth disease type 4. Last evaluated: 2021-08-28. Review status: criteria provided, single submitter. Criteria: Invitae Variant Classification Sherloc (09022015). Collection method: clinical testing. Allele origin: germline.
Comment: This sequence change replaces arginine with proline at codon 621 of the MTMR2 protein (p.Arg621Pro). The arginine residue is highly conserved and there is a moderate physicochemical difference between arginine and proline. This variant is present in population databases (rs371925152, ExAC 0.01%). This variant has not been reported in the literature in individuals affected with MTMR2-related conditions. Algorithms developed to predict the effect of missense changes on protein structure and function are either unavailable or do not agree on the potential impact of this missense change (SIFT: "Tolerated"; PolyPhen-2: "Possibly Damaging"; Align-GVGD: "Class C0"). In summary, the available evidence is currently insufficient to determine the role of this variant in disease. Therefore, it has been classified as a Variant of Uncertain Significance.

NM_016156.6(MTMR2):c.1862G>C (p.Arg621Pro)

Gene: MTMR2 (myotubularin related protein 2; minus strand). Cytogenetic location: 11q21.
Variant type: single nucleotide variant.
Coding change: c.1862G>C on transcript NM_016156.6 (MANE Select); coding-DNA position 1862, G replaced by C.
Protein change: p.Arg621Pro; replaces arginine 621 with proline.
Molecular consequence: missense variant.
Genome position (GRCh38, 1-based): chr11:95,835,360, C>G on the plus strand (G>C on the coding strand, the complement: MTMR2 is on the minus strand). VCF-style: chr11-95835360-C-G. GRCh37 (hg19) VCF-style: chr11-95568524-C-G.
Other names: c.1646G>C, p.Arg549Pro (NM_001243571.2, NM_201278.3, NM_201281.3); short protein forms R621P, R549P.
Identifiers: ClinVar variation 855464 (VCV000855464.7), dbSNP rs371925152, ClinGen allele CA6239835.